The following is an entry in ClinVar:

NM_183357.3(ADCY5):c.415_425del (p.Ser139fs)

Gene: ADCY5 (adenylate cyclase 5; minus strand). Cytogenetic location: 3q21.1.
Variant type: Deletion.
Coding change: c.415_425del on transcript NM_183357.3 (MANE Select); coding-DNA positions 415 to 425, 11 bases deleted (TCGGCGGCGGC).
Protein change: p.Ser139fs; shifts the reading frame from serine 139.
Molecular consequence: frameshift variant.
Genome position (GRCh38, 1-based): chr3:123,448,121-123,448,131, GCCGCCGCCGA deleted on the plus strand (TCGGCGGCGGC on the coding strand, the reverse complement: ADCY5 is on the minus strand); deleting any 11 consecutive bases within chr3:123,448,121-123,448,141 gives the same sequence; the c. name uses the placement nearest the transcript's 3' end. VCF-style (leftmost placement, unchanged base first): chr3-123448120-CGCCGCCGCCGA-C. GRCh37 (hg19) VCF-style: chr3-123166967-CGCCGCCGCCGA-C.
Other names: c.415_425del, p.Ser139fs (NM_001378259.1); short protein forms S139fs.
Identifiers: ClinVar variation 2974039 (VCV002974039.3), dbSNP rs2473327728, ClinGen allele CA2667302055.

ClinVar aggregate classification (germline): Pathogenic (1 of 4 stars; one submission).

Submission:

Labcorp Genetics (formerly Invitae), Labcorp
Classification: Pathogenic. Last evaluated: 2023-04-22. Review status: criteria provided, single submitter. Criteria: Invitae Variant Classification Sherloc (09022015). Collection method: clinical testing. Allele origin: germline.
Comment: This variant has not been reported in the literature in individuals affected with ADCY5-related conditions. The frequency data for this variant in the population databases is considered unreliable, as metrics indicate insufficient coverage at this position in the gnomAD database. This sequence change creates a premature translational stop signal (p.Ser139Glyfs*185) in the ADCY5 gene. It is expected to result in an absent or disrupted protein product. Loss-of-function variants in ADCY5 are known to be pathogenic (PMID: 28971144, 34631954). For these reasons, this variant has been classified as Pathogenic.

Literature cited by the submitters: PubMed 28971144; PubMed 34631954.